The following is an entry in ClinVar:

NM_006415.4(SPTLC1):c.804_805insTA (p.Ala269Ter)

Gene: SPTLC1 (serine palmitoyltransferase long chain base subunit 1; minus strand). Cytogenetic location: 9q22.31.
Variant type: Insertion.
Coding change: c.804_805insTA on transcript NM_006415.4 (MANE Select); coding-DNA positions 804 to 805, TA inserted.
Protein change: p.Ala269Ter; replaces alanine 269 with a stop codon.
Molecular consequence: nonsense. On other transcripts: frameshift variant (1).
Genome position: GRCh38 VCF-style: chr9-92050043-C-CTA. GRCh37 (hg19) VCF-style: chr9-94812325-C-CTA.
Other names: c.804_805insTA, p.Ala269Ter (NM_001281303.2); c.438_439insTA, p.Ala147Ter (NM_001368272.1); c.339_340insTA, p.Ala114Ter (NM_001368273.1); c.804_805insTA (NM_006415.2); short protein forms A114*, A147*, A269*.
Identifiers: ClinVar variation 4070750 (VCV004070750.1).

ClinVar aggregate classification (germline): Uncertain significance (1 of 4 stars; one submission).

Submission:

GeneDx
Classification: Uncertain significance. Last evaluated: 2025-01-16. Review status: criteria provided, single submitter. Criteria: GeneDx Variant Classification Process June 2021. Collection method: clinical testing. Allele origin: germline. Affected: yes.
Comment: Nonsense variant predicted to result in protein truncation or nonsense mediated decay in a gene or region of a gene for which loss of function is not a well-established mechanism of disease; Has not been previously published as pathogenic or benign to our knowledge; This variant is associated with the following publications: (PMID: 32195206)